The following is an entry in ClinVar:

ClinVar aggregate classification (germline): Uncertain significance (1 of 4 stars; one submission).

Allele frequency attached by ClinVar (database versions not stated): gnomAD exomes below 0.00001 and 0.00001; ExAC 0.00001; TOPMed 0.00001.
gnomAD v4.1: 4 of 1,611,444 alleles (0.00025%); highest among the groups gnomAD compares: African/African-American, 0.0027%; no homozygotes.

Submission:

Labcorp Genetics (formerly Invitae), Labcorp
Classification: Uncertain significance. Last evaluated: 2025-11-03. Review status: criteria provided, single submitter. Criteria: Invitae Variant Classification Sherloc (09022015). Collection method: clinical testing. Allele origin: germline.
Comment: This sequence change falls in intron 10 of the FBXO11 gene. It does not directly change the encoded amino acid sequence of the FBXO11 protein. It affects a nucleotide within the consensus splice site. This variant is present in population databases (rs752291483, gnomAD 0.007%). This variant has not been reported in the literature in individuals affected with FBXO11-related conditions. ClinVar contains an entry for this variant (Variation ID: 1464902). Variants that disrupt the consensus splice site are a relatively common cause of aberrant splicing (PMID: 17576681, 9536098). Algorithms developed to predict the effect of sequence changes on RNA splicing suggest that this variant is not likely to affect RNA splicing. In summary, the available evidence is currently insufficient to determine the role of this variant in disease. Therefore, it has been classified as a Variant of Uncertain Significance.

Literature cited by the submitters: PubMed 17576681; PubMed 9536098.

NM_001190274.2(FBXO11):c.1261-3T>C

Gene: FBXO11 (F-box protein 11; minus strand). Cytogenetic location: 2p16.3.
Variant type: single nucleotide variant.
Coding change: c.1261-3T>C on transcript NM_001190274.2 (MANE Select); 3 bases into the intron before coding-DNA position 1261, T replaced by C.
Molecular consequence: intron variant.
Genome position (GRCh38, 1-based): chr2:47,832,489, A>G on the plus strand (T>C on the coding strand, the complement: FBXO11 is on the minus strand). VCF-style: chr2-47832489-A-G. GRCh37 (hg19) VCF-style: chr2-48059628-A-G.
Other names: c.1009-3T>C (NM_001374325.1, NM_025133.4).
Identifiers: ClinVar variation 1464902 (VCV001464902.6), dbSNP rs752291483, ClinGen allele CA1649874.
Genomic context (GRCh38, chr2:47,832,489, plus strand): 5'-TTTTAACCCAAATCCCAGCTAACGCATTATTGGAAATTTCATTATCCTCATATATTCCCT[A>G]CAACAAGTTATCAGAAACAAACATCAGTAGAGCTTTTAAACATTTTCTAAAAAGAAAAAA-3'